The following is an entry in ClinVar:

ClinVar aggregate classification (germline): Pathogenic (1 of 4 stars; one submission).

Conditions:
Familial thoracic aortic aneurysm and aortic dissection (TAAD). Also called: Thoracic aortic aneurysms and dissections. Identifiers: Orphanet 91387, MedGen C4707243, MONDO:0019625.
Marfan syndrome (MFS). Also called: MARFAN SYNDROME, TYPE I; Marfan syndrome type 1; Marfan's syndrome; Marfan syndrome, classic; FBN1-Related Marfan Syndrome. Identifiers: Orphanet 284963, Orphanet 558, MedGen C0024796, MONDO:0007947, OMIM 154700.

Submission:

Labcorp Genetics (formerly Invitae), Labcorp
Classification: Pathogenic for Marfan syndrome; Familial thoracic aortic aneurysm and aortic dissection. Last evaluated: 2022-09-03. Review status: criteria provided, single submitter. Criteria: Invitae Variant Classification Sherloc (09022015). Collection method: clinical testing. Allele origin: germline.
Comment: This variant is not present in population databases (gnomAD no frequency). This sequence change creates a premature translational stop signal (p.Cys2085Leufs*21) in the FBN1 gene. It is expected to result in an absent or disrupted protein product. Loss-of-function variants in FBN1 are known to be pathogenic (PMID: 17657824, 19293843). This variant has not been reported in the literature in individuals affected with FBN1-related conditions. For these reasons, this variant has been classified as Pathogenic.

Literature cited by the submitters: PubMed 17657824; PubMed 19293843.

NM_000138.5(FBN1):c.6250_6253dup (p.Cys2085fs)

Gene: FBN1 (fibrillin 1; minus strand). Cytogenetic location: 15q21.1.
Variant type: Duplication.
Coding change: c.6250_6253dup on transcript NM_000138.5 (MANE Select); coding-DNA positions 6250 to 6253, 4 bases duplicated (TGCT; older notation c.6250_6253dupTGCT).
Protein change: p.Cys2085fs; shifts the reading frame from cysteine 2085.
Molecular consequence: frameshift variant.
Genome position (GRCh38, 1-based): chr15:48,437,828-48,437,831, AGCA duplicated on the plus strand (TGCT on the coding strand, the reverse complement: FBN1 is on the minus strand). VCF-style (leftmost placement, unchanged base first): chr15-48437827-C-CAGCA. GRCh37 (hg19) VCF-style: chr15-48730024-C-CAGCA.
Other names: c.6250_6253dup, p.Cys2085Leufs (NM_001406716.1); short protein forms C2085fs.
Identifiers: ClinVar variation 2018535 (VCV002018535.4), dbSNP rs2505438636, ClinGen allele CA2580089644.